The following is an entry in ClinVar:

ClinVar aggregate classification (germline): Uncertain significance. Review status: criteria provided, multiple submitters, no conflicts (2 of 4 stars). 3 submissions from 3 submitters: Uncertain significance (2). 1 of the submissions does not count toward it. Last evaluated 2024-05-24.

Conditions:
Hereditary cancer-predisposing syndrome. Also called: Neoplastic Syndromes, Hereditary; Tumor predisposition; Hereditary neoplastic syndrome; Hereditary Cancer Syndrome. Identifiers: Orphanet 140162, MedGen C0027672, MeSH D009386, MONDO:0015356.
Prostate cancer, hereditary, 1 (HPC1). Identifiers: Orphanet 1331, MedGen C4722327, MONDO:0011098, OMIM 601518.

Submissions (3):

Ambry Genetics
Classification: Uncertain significance for Hereditary cancer-predisposing syndrome. Last evaluated: 2024-05-24. Review status: criteria provided, single submitter. Criteria: Ambry Variant Classification Scheme 2023. Collection method: clinical testing. Allele origin: germline.

Labcorp Genetics (formerly Invitae), Labcorp
Classification: Uncertain significance. Last evaluated: 2024-03-14. Review status: criteria provided, single submitter. Criteria: Invitae Variant Classification Sherloc (09022015). Collection method: clinical testing. Allele origin: germline.
Comment: This sequence change replaces glycine, which is neutral and non-polar, with cysteine, which is neutral and slightly polar, at codon 81 of the HOXB13 protein (p.Gly81Cys). This variant is not present in population databases (gnomAD no frequency). This variant has not been reported in the literature in individuals affected with HOXB13-related conditions. ClinVar contains an entry for this variant (Variation ID: 690662). Advanced modeling of protein sequence and biophysical properties (such as structural, functional, and spatial information, amino acid conservation, physicochemical variation, residue mobility, and thermodynamic stability) performed at Invitae indicates that this missense variant is expected to disrupt HOXB13 protein function with a positive predictive value of 80%. In summary, the available evidence is currently insufficient to determine the role of this variant in disease. Therefore, it has been classified as a Variant of Uncertain Significance.

Laboratory of Virology, Microbiology,  Quality and Medical Biotechnologies, Faculty of Sciences and Techniques - Mohammedia, Hassan II University of Casablanca
Classification: Uncertain significance for Prostate cancer, hereditary, 1. Review status: no assertion criteria provided. Collection method: clinical testing. Allele origin: somatic. Affected: yes. Not counted in ClinVar's aggregate classification.

NM_006361.6(HOXB13):c.241G>T (p.Gly81Cys)

Gene: HOXB13 (homeobox B13; minus strand). Cytogenetic location: 17q21.32.
Variant type: single nucleotide variant.
Coding change: c.241G>T on transcript NM_006361.6 (MANE Select); coding-DNA position 241, G replaced by T.
Protein change: p.Gly81Cys; replaces glycine 81 with cysteine.
Molecular consequence: missense variant.
Genome position (GRCh38, 1-based): chr17:48,728,353, C>A on the plus strand (G>T on the coding strand, the complement: HOXB13 is on the minus strand). VCF-style: chr17-48728353-C-A. GRCh37 (hg19) VCF-style: chr17-46805715-C-A.
Other names: short protein forms G81C.
Identifiers: ClinVar variation 690662 (VCV000690662.5), dbSNP rs1597934690, ClinGen allele CA400107858.